The following is an entry in ClinVar:

ClinVar aggregate classification (germline): Likely benign. Review status: criteria provided, multiple submitters, no conflicts (2 of 4 stars). 3 submissions from 3 submitters: Likely benign (2). 1 of the submissions does not count toward it. Last evaluated 2025-10-14.

Conditions:
EMC1-related disorder. Also called: EMC1-related condition.

Allele frequency attached by ClinVar (database versions not stated): gnomAD exomes 0.00004 and 0.00007; ExAC 0.00010; TOPMed 0.00013; ESP Exome Variant Server 0.00015; gnomAD 0.00016 and 0.00018; 1000 Genomes Project 30x 0.00047; 1000 Genomes Project 0.00060.
gnomAD v4.1: 89 of 1,612,928 alleles (0.0055%); highest among the groups gnomAD compares: Middle Eastern, 0.05%; no homozygotes.

Submissions (3):

Labcorp Genetics (formerly Invitae), Labcorp
Classification: Likely benign. Last evaluated: 2025-10-14. Review status: criteria provided, single submitter. Criteria: Invitae Variant Classification Sherloc (09022015). Collection method: clinical testing. Allele origin: germline.

Blueprint Genetics
Classification: Likely benign. Last evaluated: 2024-08-26. Review status: criteria provided, single submitter. Criteria: ACMG Guidelines, 2015. Collection method: clinical testing. Allele origin: germline.

PreventionGenetics, part of Exact Sciences
Classification: Likely benign for EMC1-related condition. Last evaluated: 2019-09-05. Review status: no assertion criteria provided. Collection method: clinical testing. Allele origin: germline. Not counted in ClinVar's aggregate classification.
Comment: This variant is classified as likely benign based on ACMG/AMP sequence variant interpretation guidelines (Richards et al. 2015 PMID: 25741868, with internal and published modifications).

NM_015047.3(EMC1):c.2409C>T (p.Asn803=)

Genes: EMC1 (ER membrane protein complex subunit 1; minus strand), EMC1-AS1 (EMC1 antisense RNA 1; plus strand). Cytogenetic location: 1p36.13.
Variant type: single nucleotide variant.
Coding change: c.2409C>T on transcript NM_015047.3 (MANE Select); coding-DNA position 2409, C replaced by T.
Protein change: p.Asn803=; no amino-acid change (asparagine 803 retained).
Molecular consequence: synonymous variant.
Genome position (GRCh38, 1-based): chr1:19,222,802, G>A on the plus strand (C>T on the coding strand, the complement: EMC1 is on the minus strand). VCF-style: chr1-19222802-G-A. GRCh37 (hg19) VCF-style: chr1-19549296-G-A.
Other names: c.2406C>T, p.Asn802= (NM_001271427.2, NM_001271428.2); c.2343C>T, p.Asn781= (NM_001271429.2); c.2418C>T, p.Asn806= (NM_001375820.1); c.2415C>T, p.Asn805= (NM_001375821.1); c.2409C>T (NM_015047.2).
Identifiers: ClinVar variation 1149526 (VCV001149526.12), dbSNP rs141068108, ClinGen allele CA652282.
Genomic context (GRCh38, chr1:19,222,802, plus strand): 5'-GCTGAAGGCGGTGGCGTTGTATTGCTCAGTGCCCTCATAGAGCTCCAGTACGGTAAACTC[G>A]TTGCGCCGAGCCTTGGTGTTCCAGTACTGGTACTGCAGGGATAGGAGGTGGCAGCTCAGG-3'
Protein context (NP_055862.1, residues 793-813): YQYWNTKARR[Asn803=]EFTVLELYEG